The following is an entry in ClinVar:

NM_015272.5(RPGRIP1L):c.1310A>G (p.Gln437Arg)

Gene: RPGRIP1L (RPGRIP1 like; minus strand). Cytogenetic location: 16q12.2.
Variant type: single nucleotide variant.
Coding change: c.1310A>G on transcript NM_015272.5 (MANE Select); coding-DNA position 1310, A replaced by G.
Protein change: p.Gln437Arg; replaces glutamine 437 with arginine.
Molecular consequence: missense variant.
Genome position (GRCh38, 1-based): chr16:53,658,812, T>C on the plus strand (A>G on the coding strand, the complement: RPGRIP1L is on the minus strand). VCF-style: chr16-53658812-T-C. GRCh37 (hg19) VCF-style: chr16-53692724-T-C.
Other names: c.1310A>G, p.Gln437Arg (NM_001127897.4, NM_001308334.3, NM_001330538.2); short protein forms Q437R.
Identifiers: ClinVar variation 1039355 (VCV001039355.9), dbSNP rs1227063404, ClinGen allele CA395920254.

ClinVar aggregate classification (germline): Uncertain significance (1 of 4 stars; one submission).

Conditions:
Joubert syndrome. Also called: Familial aplasia of the vermis; CEREBELLOPARENCHYMAL DISORDER IV; JOUBERT-BOLTSHAUSER SYNDROME. Identifiers: Orphanet 475, MedGen C5979921, MONDO:0018772.
Meckel-Gruber syndrome. Also called: Dysencephalia splachnocystica; DYSENCEPHALIA SPLANCHNOCYSTICA; GRUBER SYNDROME. Identifiers: Orphanet 564, MedGen C0265215, MONDO:0018921.

gnomAD v4.1: 1 of 1,609,034 alleles (0.000062%); no homozygotes.

Submission:

Labcorp Genetics (formerly Invitae), Labcorp
Classification: Uncertain significance for Joubert syndrome; Meckel-Gruber syndrome. Last evaluated: 2022-06-13. Review status: criteria provided, single submitter. Criteria: Invitae Variant Classification Sherloc (09022015). Collection method: clinical testing. Allele origin: germline.
Comment: This sequence change replaces glutamine, which is neutral and polar, with arginine, which is basic and polar, at codon 437 of the RPGRIP1L protein (p.Gln437Arg). This variant is not present in population databases (gnomAD no frequency). This variant has not been reported in the literature in individuals affected with RPGRIP1L-related conditions. ClinVar contains an entry for this variant (Variation ID: 1039355). Algorithms developed to predict the effect of missense changes on protein structure and function (SIFT, PolyPhen-2, Align-GVGD) all suggest that this variant is likely to be tolerated. In summary, the available evidence is currently insufficient to determine the role of this variant in disease. Therefore, it has been classified as a Variant of Uncertain Significance.